The following is an entry in ClinVar:

NM_005909.5(MAP1B):c.7049T>C (p.Val2350Ala)

Gene: MAP1B (microtubule associated protein 1B; plus strand). Cytogenetic location: 5q13.2.
Variant type: single nucleotide variant.
Coding change: c.7049T>C on transcript NM_005909.5 (MANE Select); coding-DNA position 7049, T replaced by C.
Protein change: p.Val2350Ala; replaces valine 2350 with alanine.
Molecular consequence: missense variant.
Genome position (GRCh38, 1-based): chr5:72,203,599, T>C. VCF-style: chr5-72203599-T-C. GRCh37 (hg19) VCF-style: chr5-71499426-T-C.
Other names: c.6671T>C, p.Val2224Ala (NM_001324255.2); short protein forms V2224A, V2350A.
Identifiers: ClinVar variation 3893619 (VCV003893619.2).

ClinVar aggregate classification (germline): Uncertain significance (1 of 4 stars; one submission).

Submission:

GeneDx
Classification: Uncertain significance. Last evaluated: 2025-06-02. Review status: criteria provided, single submitter. Criteria: GeneDx Variant Classification Process June 2021. Collection method: clinical testing. Allele origin: germline.
Comment: Not observed at significant frequency in large population cohorts (gnomAD); In silico analysis indicates that this missense variant does not alter protein structure/function; Has not been previously published as pathogenic or benign to our knowledge